The following is an entry in ClinVar:

NM_001735.3(C5):c.1759A>T (p.Thr587Ser)

Gene: C5 (complement C5; minus strand). Cytogenetic location: 9q33.2.
Variant type: single nucleotide variant.
Coding change: c.1759A>T on transcript NM_001735.3 (MANE Select); coding-DNA position 1759, A replaced by T.
Protein change: p.Thr587Ser; replaces threonine 587 with serine.
Molecular consequence: missense variant.
Genome position (GRCh38, 1-based): chr9:121,017,469, T>A on the plus strand (A>T on the coding strand, the complement: C5 is on the minus strand). VCF-style: chr9-121017469-T-A. GRCh37 (hg19) VCF-style: chr9-123779747-T-A.
Other names: c.1777A>T, p.Thr593Ser (NM_001317163.2); c.1759A>T, p.Thr587Ser (NM_001317164.2); short protein forms T593S, T587S.
Identifiers: ClinVar variation 1401000 (VCV001401000.9), dbSNP rs2047317447, ClinGen allele CA374748053.

ClinVar aggregate classification (germline): Uncertain significance. Review status: criteria provided, multiple submitters, no conflicts (2 of 4 stars). 2 submissions from 2 submitters: Uncertain significance (2). Last evaluated 2022-03-24.

Conditions:
Eculizumab, poor response to. Identifiers: MedGen C3810402, OMIM 615749.
Complement component 5 deficiency. Also called: C5 DEFICIENCY. Identifiers: MedGen C0343047, MONDO:0012295, OMIM 609536.

Allele frequency attached by ClinVar (database versions not stated): TOPMed below 0.00001.

Submissions (2):

Fulgent Genetics
Classification: Uncertain significance for Complement component 5 deficiency; Eculizumab, poor response to. Last evaluated: 2022-03-24. Review status: criteria provided, single submitter. Criteria: ACMG Guidelines, 2015. Collection method: clinical testing. Allele origin: unknown.

Labcorp Genetics (formerly Invitae), Labcorp
Classification: Uncertain significance. Last evaluated: 2021-06-15. Review status: criteria provided, single submitter. Criteria: Invitae Variant Classification Sherloc (09022015). Collection method: clinical testing. Allele origin: germline.
Comment: In summary, the available evidence is currently insufficient to determine the role of this variant in disease. Therefore, it has been classified as a Variant of Uncertain Significance. Algorithms developed to predict the effect of missense changes on protein structure and function output the following: SIFT: "Tolerated"; PolyPhen-2: "Benign"; Align-GVGD: "Class C0". The serine amino acid residue is found in multiple mammalian species, suggesting that this missense change does not adversely affect protein function. These predictions have not been confirmed by published functional studies and their clinical significance is uncertain. This variant has not been reported in the literature in individuals with C5-related conditions. This variant is not present in population databases (ExAC no frequency). This sequence change replaces threonine with serine at codon 587 of the C5 protein (p.Thr587Ser). The threonine residue is weakly conserved and there is a small physicochemical difference between threonine and serine.